The following is an entry in ClinVar:

ClinVar aggregate classification (germline): Uncertain significance (1 of 4 stars; one submission).

Allele frequency attached by ClinVar (database versions not stated): TOPMed 0.00001; ExAC 0.00002; gnomAD 0.00002; ESP Exome Variant Server 0.00008.
gnomAD v4.1: 35 of 1,614,042 alleles (0.0022%); highest among the groups gnomAD compares: Middle Eastern, 0.016%; no homozygotes.

Submission:

Labcorp Genetics (formerly Invitae), Labcorp
Classification: Uncertain significance. Last evaluated: 2025-11-05. Review status: criteria provided, single submitter. Criteria: Invitae Variant Classification Sherloc (09022015). Collection method: clinical testing. Allele origin: germline.
Comment: This sequence change replaces glutamine, which is neutral and polar, with leucine, which is neutral and non-polar, at codon 399 of the MAP3K8 protein (p.Gln399Leu). This variant is present in population databases (rs374373740, gnomAD 0.004%). This variant has not been reported in the literature in individuals affected with MAP3K8-related conditions. ClinVar contains an entry for this variant (Variation ID: 1902233). An algorithm developed to predict the effect of missense changes on protein structure and function (PolyPhen-2) suggests that this variant is likely to be tolerated. In summary, the available evidence is currently insufficient to determine the role of this variant in disease. Therefore, it has been classified as a Variant of Uncertain Significance.

NM_005204.4(MAP3K8):c.1196A>T (p.Gln399Leu)

Gene: MAP3K8 (mitogen-activated protein kinase kinase kinase 8; plus strand). Cytogenetic location: 10p11.23.
Variant type: single nucleotide variant.
Coding change: c.1196A>T on transcript NM_005204.4 (MANE Select); coding-DNA position 1196, A replaced by T.
Protein change: p.Gln399Leu; replaces glutamine 399 with leucine.
Molecular consequence: missense variant.
Genome position (GRCh38, 1-based): chr10:30,459,424, A>T. VCF-style: chr10-30459424-A-T. GRCh37 (hg19) VCF-style: chr10-30748353-A-T.
Other names: c.1196A>T, p.Gln399Leu (NM_001244134.1, NM_001320961.2); short protein forms Q399L.
Identifiers: ClinVar variation 1902233 (VCV001902233.5), dbSNP rs374373740, ClinGen allele CA5459878.